The following is an entry in ClinVar:

NM_001110556.2(FLNA):c.278A>G (p.His93Arg)

Gene: FLNA (filamin A; minus strand). Cytogenetic location: Xq28.
Variant type: single nucleotide variant.
Coding change: c.278A>G on transcript NM_001110556.2 (MANE Select); coding-DNA position 278, A replaced by G.
Protein change: p.His93Arg; replaces histidine 93 with arginine.
Molecular consequence: missense variant.
Genome position (GRCh38, 1-based): chrX:154,370,968, T>C on the plus strand (A>G on the coding strand, the complement: FLNA is on the minus strand). VCF-style: chrX-154370968-T-C. GRCh37 (hg19) VCF-style: chrX-153599336-T-C.
Other names: c.278A>G, p.His93Arg (NM_001456.4); short protein forms H93R.
Identifiers: ClinVar variation 1304122 (VCV001304122.2), dbSNP rs2148121892, ClinGen allele CA415254604.

ClinVar aggregate classification (germline): Uncertain significance (1 of 4 stars; one submission).

Submission:

GeneDx
Classification: Uncertain significance. Last evaluated: 2019-07-26. Review status: criteria provided, single submitter. Criteria: GeneDx Variant Classification Process June 2021. Collection method: clinical testing. Allele origin: germline. Affected: yes.
Comment: Has not been previously published as pathogenic or benign to our knowledge; Not observed in large population cohorts (Lek et al., 2016); In silico analysis, which includes protein predictors and evolutionary conservation, supports a deleterious effect